The following is an entry in ClinVar:

ClinVar aggregate classification (germline): Uncertain significance (1 of 4 stars; one submission).

gnomAD v4.1: 4 of 1,613,932 alleles (0.00025%); highest among the groups gnomAD compares: Admixed American, 0.0033%; no homozygotes.

Submission:

Labcorp Genetics (formerly Invitae), Labcorp
Classification: Uncertain significance. Last evaluated: 2025-12-01. Review status: criteria provided, single submitter. Criteria: Invitae Variant Classification Sherloc (09022015). Collection method: clinical testing. Allele origin: germline.
Comment: This sequence change replaces tyrosine, which is neutral and polar, with cysteine, which is neutral and slightly polar, at codon 164 of the LRP5 protein (p.Tyr164Cys). This variant is present in population databases (rs778000208, gnomAD 0.003%). This variant has not been reported in the literature in individuals affected with LRP5-related conditions. ClinVar contains an entry for this variant (Variation ID: 1379739). An algorithm developed to predict the effect of missense changes on protein structure and function (PolyPhen-2) suggests that this variant is likely to be disruptive. In summary, the available evidence is currently insufficient to determine the role of this variant in disease. Therefore, it has been classified as a Variant of Uncertain Significance.

NM_002335.4(LRP5):c.491A>G (p.Tyr164Cys)

Gene: LRP5 (LDL receptor related protein 5; plus strand). Cytogenetic location: 11q13.2.
Variant type: single nucleotide variant.
Coding change: c.491A>G on transcript NM_002335.4 (MANE Select); coding-DNA position 491, A replaced by G.
Protein change: p.Tyr164Cys; replaces tyrosine 164 with cysteine.
Molecular consequence: missense variant. On other transcripts: 5 prime UTR variant (1).
Genome position (GRCh38, 1-based): chr11:68,357,652, A>G. VCF-style: chr11-68357652-A-G. GRCh37 (hg19) VCF-style: chr11-68125120-A-G.
Other names: c.-1275A>G (NM_001291902.2); short protein forms Y164C.
Identifiers: ClinVar variation 1379739 (VCV001379739.6), dbSNP rs778000208, ClinGen allele CA6149032.